The following is an entry in ClinVar:

ClinVar aggregate classification (germline): Likely benign (0 of 4 stars; one submission).

Conditions:
FAM47B-related disorder. Also called: FAM47B-related condition.

Allele frequency attached by ClinVar (database versions not stated): gnomAD 0.00001; gnomAD exomes 0.00001; TOPMed 0.00002.
gnomAD v4.1: 14 of 1,203,128 alleles (0.0012%); highest among the groups gnomAD compares: African/African-American, 0.0053%; no homozygotes.

Submission:

PreventionGenetics, part of Exact Sciences
Classification: Likely benign for FAM47B-related condition. Last evaluated: 2019-07-31. Review status: no assertion criteria provided. Collection method: clinical testing. Allele origin: germline.
Comment: This variant is classified as likely benign based on ACMG/AMP sequence variant interpretation guidelines (Richards et al. 2015 PMID: 25741868, with internal and published modifications).

NM_152631.3(FAM47B):c.18A>G (p.Pro6=)

Gene: FAM47B (family with sequence similarity 47 member B; plus strand). Cytogenetic location: Xp21.1.
Variant type: single nucleotide variant.
Coding change: c.18A>G on transcript NM_152631.3 (MANE Select); coding-DNA position 18, A replaced by G.
Protein change: p.Pro6=; no amino-acid change (proline 6 retained).
Molecular consequence: synonymous variant.
Genome position (GRCh38, 1-based): chrX:34,942,849, A>G. VCF-style: chrX-34942849-A-G. GRCh37 (hg19) VCF-style: chrX-34960966-A-G.
Identifiers: ClinVar variation 3035806 (VCV003035806.2), dbSNP rs1416849507, ClinGen allele CA515881741.